The following is an entry in ClinVar:

NM_000284.4(PDHA1):c.784G>C (p.Val262Leu)

Gene: PDHA1 (pyruvate dehydrogenase E1 subunit alpha 1; plus strand). Cytogenetic location: Xp22.12.
Variant type: single nucleotide variant.
Coding change: c.784G>C on transcript NM_000284.4 (MANE Select); coding-DNA position 784, G replaced by C.
Protein change: p.Val262Leu; replaces valine 262 with leucine.
Molecular consequence: missense variant.
Genome position (GRCh38, 1-based): chrX:19,355,710, G>C. VCF-style: chrX-19355710-G-C. GRCh37 (hg19) VCF-style: chrX-19373828-G-C.
Other names: c.898G>C, p.Val300Leu (NM_001173454.2); c.805G>C, p.Val269Leu (NM_001173455.2); c.691G>C, p.Val231Leu (NM_001173456.2); short protein forms V231L, V262L, V269L, V300L.
Identifiers: ClinVar variation 4070370 (VCV004070370.1).

ClinVar aggregate classification (germline): Likely pathogenic (0 of 4 stars; one submission).

Conditions:
Pyruvate dehydrogenase E1-alpha deficiency (PDHAD). Also called: ATAXIA, INTERMITTENT, WITH PYRUVATE DEHYDROGENASE DEFICIENCY; ATAXIA WITH LACTIC ACIDOSIS I; ATAXIA, INTERMITTENT, WITH ABNORMAL PYRUVATE METABOLISM; Ataxia, intermittent, with pyruvate dehydrogenase, or decarboxylase, deficiency. Identifiers: Orphanet 79243, MedGen C1839413, MONDO:0010717, OMIM 312170.

Submission:

PDHA1 Study Group, University Children’s Hospital, Paracelsus Medical University
Classification: Likely pathogenic for Pyruvate dehydrogenase E1-alpha deficiency. Last evaluated: 2024-10-15. Review status: no assertion criteria provided. Collection method: research. Allele origin: inherited. Affected: yes. Observed: 1 variant allele.
Comment: The NM_000284.3:c.784G>C (p.Val262Leu) substitution is a missense variant in PDHA1 gene. Among them, 1 were confirmed inherited. Last literature search: July 12, 2024. This variant is absent or extremely rare in population-based cohorts in the Genome Aggregation Database (gnomAD). Individuals harboring this variant presented with clinical features compatible with PDHA1-related PDHc deficiency. In summary, this variant meets criteria to be classified as likely pathogenic (LP) for PDHA1-related PDHc deficiency based on the ACMG/AMP criteria applied: PM1, PM2, PM5, PP3 (last assessment October 15, 2024).

Literature cited by the submitters: DOI 10.1093/brain/awaf430.